The following is an entry in ClinVar:

NM_015450.3(POT1):c.265T>C (p.Tyr89His)

Gene: POT1 (protection of telomeres 1; minus strand). Cytogenetic location: 7q31.33.
Variant type: single nucleotide variant.
Coding change: c.265T>C on transcript NM_015450.3 (MANE Select); coding-DNA position 265, T replaced by C.
Protein change: p.Tyr89His; replaces tyrosine 89 with histidine.
Molecular consequence: missense variant. On other transcripts: 5 prime UTR variant (1), non-coding transcript variant (3).
Genome position (GRCh38, 1-based): chr7:124,863,631, A>G on the plus strand (T>C on the coding strand, the complement: POT1 is on the minus strand). VCF-style: chr7-124863631-A-G. GRCh37 (hg19) VCF-style: chr7-124503685-A-G.
Other names: c.-129T>C (NM_001042594.2); short protein forms Y89H.
Identifiers: ClinVar variation 430029 (VCV000430029.3), dbSNP rs1131691746, ClinGen allele CA369060576.

ClinVar aggregate classification (germline): Uncertain significance. Review status: criteria provided, multiple submitters, no conflicts (2 of 4 stars). 2 submissions from 2 submitters: Uncertain significance (2). Last evaluated 2026-04-17.

Conditions:
Hereditary cancer-predisposing syndrome. Also called: Hereditary Cancer Syndrome; Tumor predisposition; Hereditary neoplastic syndrome; Neoplastic Syndromes, Hereditary. Identifiers: Orphanet 140162, MedGen C0027672, MeSH D009386, MONDO:0015356.

Submissions (2):

Ambry Genetics
Classification: Uncertain significance for Hereditary cancer-predisposing syndrome. Last evaluated: 2026-04-17. Review status: criteria provided, single submitter. Criteria: Ambry Variant Classification Scheme 2023. Collection method: clinical testing. Allele origin: germline.
Comment: The p.Y89H variant (also known as c.265T>C), located in coding exon 4 of the POT1 gene, results from a T to C substitution at nucleotide position 265. The tyrosine at codon 89 is replaced by histidine, an amino acid with similar properties. This variant was reported in individual(s) with features consistent with POT1-related tumor predisposition syndrome (DiNardo CD et al. Cancer, 2026 Feb;132:e70315). This amino acid position is well conserved in available vertebrate species. In addition, the in silico prediction for this alteration is inconclusive. Based on the available evidence, the clinical significance of this variant remains unclear.

GeneDx
Classification: Uncertain significance. Last evaluated: 2017-05-04. Review status: criteria provided, single submitter. Criteria: GeneDx Variant Classification (06012015). Collection method: clinical testing. Allele origin: germline. Affected: yes.
Comment: The Y89H variant in the POT1 gene has not been reported previously as a pathogenic variant, nor as a benign variant, to our knowledge. However, numerous publications highlight residue Y89 as functionally important for the protein, with in vitro studies of a different missense variant at this codon, Y89C, revealing complete abolition of telomere binding by mutant POT1 (Lei et al., 2004; Gu et al., 2017; Robles-Espinoza et al., 2014). In addition, the Y89C variant was identified in four family members with cutaneous malignant melanoma, with other cancers reported in these individuals and other untested family members, and three Y89C carriers exhibited increased telomere lengths (Robles-Espinoza et al., 2014). The Y89H variant is not observed in large population cohorts (Lek et al., 2016; 1000 Genomes Consortium et al., 2015; Exome Variant Server). The Y89H variant is a non-conservative amino acid substitution, which is likely to impact secondary protein structure as these residues differ in polarity, charge, size and/or other properties. In addition, this substitution occurs at a position within the OB1 domain that is conserved across species (Robles-Espinoza et al., 2014). However, in silico analysis is inconsistent in its predictions as to whether or not the variant is damaging to the protein structure/function. We currently interpret Y89H as a variant of uncertain significance.

Literature cited by the submitters: PubMed 41686515 (cited by Ambry Genetics).